The following is an entry in ClinVar:

NM_019098.5(CNGB3):c.1883T>C (p.Leu628Pro)

Gene: CNGB3 (cyclic nucleotide gated channel subunit beta 3; minus strand). Cytogenetic location: 8q21.3.
Variant type: single nucleotide variant.
Coding change: c.1883T>C on transcript NM_019098.5 (MANE Select); coding-DNA position 1883, T replaced by C.
Protein change: p.Leu628Pro; replaces leucine 628 with proline.
Molecular consequence: missense variant.
Genome position (GRCh38, 1-based): chr8:86,579,151, A>G on the plus strand (T>C on the coding strand, the complement: CNGB3 is on the minus strand). VCF-style: chr8-86579151-A-G. GRCh37 (hg19) VCF-style: chr8-87591379-A-G.
Other names: short protein forms L628P.
Identifiers: ClinVar variation 1805587 (VCV001805587.1), dbSNP rs1821713775, ClinGen allele CA371447835.

ClinVar aggregate classification (germline): Likely pathogenic (1 of 4 stars; one submission).

Conditions:
Achromatopsia 3 (ACHM3). Also called: ACHROMATOPSIA WITH MYOPIA; PINGELAPESE BLINDNESS; TOTAL COLORBLINDNESS WITH MYOPIA; ROD MONOCHROMACY 1; ROD MONOCHROMATISM 1. Identifiers: Orphanet 49382, MedGen C1849792, MONDO:0009875, OMIM 262300.

Allele frequency attached by ClinVar (database versions not stated): gnomAD 0.00001.

Submission:

Victorian Clinical Genetics Services, Murdoch Childrens Research Institute
Classification: Likely pathogenic for Achromatopsia 3. Last evaluated: 2020-05-21. Review status: criteria provided, single submitter. Criteria: ACMG Guidelines, 2015. Collection method: clinical testing. Allele origin: germline. Inheritance: Autosomal recessive inheritance. Affected: yes.
Comment: A heterozygous missense variant, NM_019098.4(CNGB3):c.1883T>C, has been identified in exon 16 of 18 of the CNGB3 gene. The variant is predicted to result in a moderate amino acid change from leucine to proline at position 628 of the protein (NP_061971.3(CNGB3):p.(Leu628Pro)). The leucine residue at this position has very high conservation (100 vertebrates, UCSC), and is located within the cyclic nucleotide-binding functional domain (Okada, A., et al. (2004)). In silico predictions for this variant are consistently pathogenic (Polyphen, SIFT, CADD, Mutation Taster). The variant is absent in the gnomAD population database, and has not been previously reported in clinical cases. Based on the information available at the time of curation, this variant has been classified as LIKELY PATHOGENIC. Legend: (P) - Pathogenic, (N) - Neutral, (B) - Benign

Literature cited by the submitters: PubMed 15223812.